The following is an entry in ClinVar:

ClinVar aggregate classification (germline): Conflicting classifications of pathogenicity. Review status: criteria provided, conflicting classifications (1 of 4 stars). 2 submissions from 2 submitters: Pathogenic (1); Uncertain significance (1). Last evaluated 2023-07-14.

Conditions:
Cardiomyopathy (CMYO). Also called: Cardiomyopathies. Identifiers: Orphanet 167848, MedGen C0878544, MONDO:0004994, HP:0001638. Inheritance: Various modes of inheritance.
Hypertrophic cardiomyopathy. Also called: HYPERTROPHIC MYOCARDIOPATHY. Identifiers: Orphanet 217569, MedGen C0007194, MeSH D002312, MONDO:0005045, HP:0001639.

Submissions (2):

Labcorp Genetics (formerly Invitae), Labcorp
Classification: Pathogenic for Hypertrophic cardiomyopathy. Last evaluated: 2023-07-14. Review status: criteria provided, single submitter. Criteria: Invitae Variant Classification Sherloc (09022015). Collection method: clinical testing. Allele origin: germline.
Comment: For these reasons, this variant has been classified as Pathogenic. This variant disrupts a region of the MYBPC3 protein in which other variant(s) (p.Tyr1251His) have been determined to be pathogenic (PMID: 25351510, 33782553, 34097875). This suggests that this is a clinically significant region of the protein, and that variants that disrupt it are likely to be disease-causing. Algorithms developed to predict the effect of sequence changes on RNA splicing suggest that this variant may disrupt the consensus splice site. ClinVar contains an entry for this variant (Variation ID: 181104). This variant has not been reported in the literature in individuals affected with MYBPC3-related conditions. This variant is not present in population databases (gnomAD no frequency). This variant, c.3744_3758del, results in the deletion of 5 amino acid(s) of the MYBPC3 protein (p.Gly1249_Cys1253del), but otherwise preserves the integrity of the reading frame.

GeneDx
Classification: Uncertain significance for Cardiomyopathy. Last evaluated: 2012-11-30. Review status: criteria provided, single submitter. Criteria: GeneDx Variant Classification (06012015). Collection method: clinical testing. Allele origin: germline. Affected: yes.
Comment: c.3744_3758del: p.Gly1249_Arg1253del (G1249_R1253del) in exon 33 of the MYBPC3 gene (NM_000256.3). The normal sequence with the bases that are deleted in braces is: ACGG{GGGCATCTATGTCTG}CAGG.The c.3744_3758del variant in the MYBPC3 gene has not been reported as a disease-causing mutation or as a benign polymorphism to our knowledge. c.3744_3758del results in an in frame deletion of five amino acids at positions 1249-1253 in the MYBPC3 gene. This deletion is expected to alter the Cysteine content in this region of the protein. Nevertheless, similar in-frame deletions of more than one amino acid in this region of the MYBPC3 gene have not been reported in association with HCM.With the clinical and molecular information available at this time, we cannot definitively determine if c.3744_3758del is a disease-causing mutation or a rare benign variant. The variant is found in HCM panel(s).

Literature cited by the submitters: PubMed 25351510 (cited by Labcorp Genetics (formerly Invitae), Labcorp); PubMed 33782553 (cited by Labcorp Genetics (formerly Invitae), Labcorp); PubMed 34097875 (cited by Labcorp Genetics (formerly Invitae), Labcorp).

NM_000256.3(MYBPC3):c.3744_3758del (p.Gly1249_Cys1253del)

Gene: MYBPC3 (myosin binding protein C3; minus strand). Cytogenetic location: 11p11.2.
Variant type: Deletion.
Coding change: c.3744_3758del on transcript NM_000256.3 (MANE Select); coding-DNA positions 3744 to 3758, 15 bases deleted (GGGCATCTATGTCTG).
Protein change: p.Gly1249_Cys1253del.
Molecular consequence: inframe deletion.
Genome position (GRCh38, 1-based): chr11:47,332,128-47,332,142, CAGACATAGATGCCC deleted on the plus strand (GGGCATCTATGTCTG on the coding strand, the reverse complement: MYBPC3 is on the minus strand); deleting any 15 consecutive bases within chr11:47,332,128-47,332,143 gives the same sequence; the c. name uses the placement nearest the transcript's 3' end. VCF-style (leftmost placement, unchanged base first): chr11-47332127-GCAGACATAGATGCCC-G. GRCh37 (hg19) VCF-style: chr11-47353678-GCAGACATAGATGCCC-G.
Other names: c.3744_3758del, p.Gly1249_Cys1253del (LRG_386t1).
Identifiers: ClinVar variation 181104 (VCV000181104.6), dbSNP rs730880676, ClinGen allele CA014740.